The following is an entry in ClinVar:

NM_014975.3(MAST1):c.3529C>A (p.Pro1177Thr)

Gene: MAST1 (microtubule associated serine/threonine kinase 1; plus strand). Cytogenetic location: 19p13.13.
Variant type: single nucleotide variant.
Coding change: c.3529C>A on transcript NM_014975.3 (MANE Select); coding-DNA position 3529, C replaced by A.
Protein change: p.Pro1177Thr; replaces proline 1177 with threonine.
Molecular consequence: missense variant.
Genome position (GRCh38, 1-based): chr19:12,873,686, C>A. VCF-style: chr19-12873686-C-A. GRCh37 (hg19) VCF-style: chr19-12984500-C-A.
Other names: short protein forms P1177T.
Identifiers: ClinVar variation 4538755 (VCV004538755.1).

ClinVar aggregate classification (germline): Uncertain significance (1 of 4 stars; one submission).

Submission:

GeneDx
Classification: Uncertain significance. Last evaluated: 2025-06-17. Review status: criteria provided, single submitter. Criteria: GeneDx Variant Classification Process June 2021. Collection method: clinical testing. Allele origin: germline. Affected: yes.
Comment: Not observed at significant frequency in large population cohorts (gnomAD); In silico analysis supports that this missense variant has a deleterious effect on protein structure/function; Has not been previously published as pathogenic or benign to our knowledge